The following is an entry in ClinVar:

ClinVar aggregate classification (germline): Uncertain significance (1 of 4 stars; one submission).

Conditions:
Tatton-Brown-Rahman overgrowth syndrome. Also called: Tall stature-intellectual disability-facial dysmorphism syndrome; Tatton-Brown-Rahman syndrome. Identifiers: Orphanet 404443, MedGen C4014545, MONDO:0014382, OMIM 615879.

Allele frequency attached by ClinVar (database versions not stated): gnomAD exomes 0.00001; gnomAD 0.00002; TOPMed 0.00003.
gnomAD v4.1: 14 of 1,613,144 alleles (0.00087%); highest among the groups gnomAD compares: African/African-American, 0.0027%; no homozygotes.

Submission:

Labcorp Genetics (formerly Invitae), Labcorp
Classification: Uncertain significance for Tatton-Brown-Rahman overgrowth syndrome. Last evaluated: 2025-03-20. Review status: criteria provided, single submitter. Criteria: Invitae Variant Classification Sherloc (09022015). Collection method: clinical testing. Allele origin: germline.
Comment: This sequence change replaces valine, which is neutral and non-polar, with methionine, which is neutral and non-polar, at codon 265 of the DNMT3A protein (p.Val265Met). This variant is present in population databases (no rsID available, gnomAD 0.01%). This variant has not been reported in the literature in individuals affected with DNMT3A-related conditions. ClinVar contains an entry for this variant (Variation ID: 2418709). Invitae Evidence Modeling of protein sequence and biophysical properties (such as structural, functional, and spatial information, amino acid conservation, physicochemical variation, residue mobility, and thermodynamic stability) indicates that this missense variant is not expected to disrupt DNMT3A protein function with a negative predictive value of 95%. In summary, the available evidence is currently insufficient to determine the role of this variant in disease. Therefore, it has been classified as a Variant of Uncertain Significance.

NM_022552.5(DNMT3A):c.793G>A (p.Val265Met)

Gene: DNMT3A (DNA methyltransferase 3 alpha; minus strand). Cytogenetic location: 2p23.3.
Variant type: single nucleotide variant.
Coding change: c.793G>A on transcript NM_022552.5 (MANE Select); coding-DNA position 793, G replaced by A.
Protein change: p.Val265Met; replaces valine 265 with methionine.
Molecular consequence: missense variant. On other transcripts: non-coding transcript variant (1).
Genome position (GRCh38, 1-based): chr2:25,248,099, C>T on the plus strand (G>A on the coding strand, the complement: DNMT3A is on the minus strand). VCF-style: chr2-25248099-C-T. GRCh37 (hg19) VCF-style: chr2-25470968-C-T.
Other names: c.337G>A, p.Val113Met (NM_001320893.1); c.124G>A, p.Val42Met (NM_001375819.1); c.226G>A, p.Val76Met (NM_153759.3); c.793G>A, p.Val265Met (NM_175629.2); short protein forms V113M, V265M, V42M, V76M.
Identifiers: ClinVar variation 2418709 (VCV002418709.7), dbSNP rs1483397095, ClinGen allele CA346076069.
Genomic context (GRCh38, chr2:25,248,099, plus strand): 5'-CGTACTCTGGCTCGTCATCGCCTGCTTTGGTGGCATTCTTGTCCCCAGCATCGGACCCCA[C>T]GGGCTCAGGCGTGGTAGCCACAGTGGGGGATGCGGGGTCAGTGGGCTGCTGCACAGCAGG-3'
Protein context (NP_072046.2, residues 255-275): SPTVATTPEP[Val265Met]GSDAGDKNAT